The following is an entry in ClinVar:

NM_000057.4(BLM):c.1304T>C (p.Leu435Pro)

Gene: BLM (BLM RecQ like helicase; plus strand). Cytogenetic location: 15q26.1.
Variant type: single nucleotide variant.
Coding change: c.1304T>C on transcript NM_000057.4 (MANE Select); coding-DNA position 1304, T replaced by C.
Protein change: p.Leu435Pro; replaces leucine 435 with proline.
Molecular consequence: missense variant.
Genome position (GRCh38, 1-based): chr15:90,760,677, T>C. VCF-style: chr15-90760677-T-C. GRCh37 (hg19) VCF-style: chr15-91303907-T-C.
Other names: c.1304T>C, p.Leu435Pro (NM_001287246.2, NM_001287247.2); c.179T>C, p.Leu60Pro (NM_001287248.2); short protein forms L60P, L435P.
Identifiers: ClinVar variation 2586900 (VCV002586900.5), dbSNP rs1315734510, ClinGen allele CA393842771.

ClinVar aggregate classification (germline): Uncertain significance. Review status: criteria provided, multiple submitters, no conflicts (2 of 4 stars). 2 submissions from 2 submitters: Uncertain significance (2). Last evaluated 2023-11-24.

Conditions:
Hereditary cancer-predisposing syndrome. Also called: Hereditary neoplastic syndrome; Tumor predisposition; Hereditary Cancer Syndrome; Neoplastic Syndromes, Hereditary. Identifiers: Orphanet 140162, MedGen C0027672, MeSH D009386, MONDO:0015356.
Bloom syndrome (BLM). Also called: Bloom-Torre-Machacek syndrome. Identifiers: Orphanet 125, MedGen C0005859, MONDO:0008876, OMIM 210900.

Allele frequency attached by ClinVar (database versions not stated): gnomAD exomes below 0.00001; gnomAD 0.00001.
gnomAD v4.1: 3 of 1,613,942 alleles (0.00019%); highest among the groups gnomAD compares: East Asian, 0.0045%; no homozygotes.

Submissions (2):

Labcorp Genetics (formerly Invitae), Labcorp
Classification: Uncertain significance for Bloom syndrome. Last evaluated: 2023-11-24. Review status: criteria provided, single submitter. Criteria: Invitae Variant Classification Sherloc (09022015). Collection method: clinical testing. Allele origin: germline.
Comment: This sequence change replaces leucine, which is neutral and non-polar, with proline, which is neutral and non-polar, at codon 435 of the BLM protein (p.Leu435Pro). This variant is present in population databases (no rsID available, gnomAD 0.01%). This variant has not been reported in the literature in individuals affected with BLM-related conditions. Advanced modeling of protein sequence and biophysical properties (such as structural, functional, and spatial information, amino acid conservation, physicochemical variation, residue mobility, and thermodynamic stability) performed at Invitae indicates that this missense variant is not expected to disrupt BLM protein function with a negative predictive value of 80%. In summary, the available evidence is currently insufficient to determine the role of this variant in disease. Therefore, it has been classified as a Variant of Uncertain Significance.

Ambry Genetics
Classification: Uncertain significance for Hereditary cancer-predisposing syndrome. Last evaluated: 2023-08-30. Review status: criteria provided, single submitter. Criteria: Ambry Variant Classification Scheme 2023. Collection method: clinical testing. Allele origin: germline.
Comment: The p.L435P variant (also known as c.1304T>C), located in coding exon 6 of the BLM gene, results from a T to C substitution at nucleotide position 1304. The leucine at codon 435 is replaced by proline, an amino acid with similar properties. This amino acid position is conserved. In addition, this alteration is predicted to be tolerated by in silico analysis. Since supporting evidence is limited at this time, the clinical significance of this alteration remains unclear.